The following is an entry in ClinVar:

NM_001114753.3(ENG):c.507C>T (p.Leu169=)

Gene: ENG (endoglin; minus strand). Cytogenetic location: 9q34.11.
Variant type: single nucleotide variant.
Coding change: c.507C>T on transcript NM_001114753.3 (MANE Select); coding-DNA position 507, C replaced by T.
Protein change: p.Leu169=; no amino-acid change (leucine 169 retained).
Molecular consequence: synonymous variant. On other transcripts: 5 prime UTR variant (1).
Genome position (GRCh38, 1-based): chr9:127,826,526, G>A on the plus strand (C>T on the coding strand, the complement: ENG is on the minus strand). VCF-style: chr9-127826526-G-A. GRCh37 (hg19) VCF-style: chr9-130588805-G-A.
Other names: c.507C>T, p.Leu169= (NM_000118.4, NM_001406715.1); c.-40C>T (NM_001278138.2); c.507C>T (NM_001114753.1).
Identifiers: ClinVar variation 515940 (VCV000515940.15), dbSNP rs750014839, ClinGen allele CA5253116.

ClinVar aggregate classification (germline): Benign/Likely benign. Review status: criteria provided, multiple submitters, no conflicts (2 of 4 stars). 4 submissions from 4 submitters: Benign (1); Likely benign (3). Last evaluated 2024-11-25.

Conditions:
Cardiovascular phenotype. Identifiers: MedGen CN230736.
Hereditary hemorrhagic telangiectasia (HHT). Also called: Osler hemorrhagic telangiectasia syndrome; ORW DISEASE; Osler Weber Rendu syndrome; OSLER-RENDU-WEBER DISEASE. Identifiers: Orphanet 774, MedGen C0039445, MONDO:0019180. Disease mechanism: loss of function.

Allele frequency attached by ClinVar (database versions not stated): gnomAD exomes 0.00006 and 0.00011; gnomAD below 0.00001 and 0.00001; ExAC 0.00010.
gnomAD v4.1: 85 of 1,614,018 alleles (0.0053%); highest among the groups gnomAD compares: South Asian, 0.089%; 1 homozygote.

Submissions (4):

Ambry Genetics
Classification: Likely benign for Cardiovascular phenotype. Last evaluated: 2024-11-25. Review status: criteria provided, single submitter. Criteria: Ambry Variant Classification Scheme 2023. Collection method: clinical testing. Allele origin: germline.

Labcorp Genetics (formerly Invitae), Labcorp
Classification: Benign for Hereditary hemorrhagic telangiectasia. Last evaluated: 2024-08-10. Review status: criteria provided, single submitter. Criteria: Invitae Variant Classification Sherloc (09022015). Collection method: clinical testing. Allele origin: germline.

Blueprint Genetics
Classification: Likely benign. Last evaluated: 2023-10-06. Review status: criteria provided, single submitter. Criteria: ACMG Guidelines, 2015. Collection method: clinical testing. Allele origin: germline.

GeneDx
Classification: Likely benign. Last evaluated: 2018-03-08. Review status: criteria provided, single submitter. Criteria: GeneDx Variant Classification (06012015). Collection method: clinical testing. Allele origin: germline. Affected: yes.
Comment: This variant is considered likely benign or benign based on one or more of the following criteria: it is a conservative change, it occurs at a poorly conserved position in the protein, it is predicted to be benign by multiple in silico algorithms, and/or has population frequency not consistent with disease.